The following is an entry in ClinVar:

NM_014588.6(VSX1):c.60C>T (p.Gly20=)

Gene: VSX1 (visual system homeobox 1; minus strand). Cytogenetic location: 20p11.21.
Variant type: single nucleotide variant.
Coding change: c.60C>T on transcript NM_014588.6 (MANE Select); coding-DNA position 60, C replaced by T.
Protein change: p.Gly20=; no amino-acid change (glycine 20 retained).
Molecular consequence: synonymous variant. On other transcripts: non-coding transcript variant (2).
Genome position (GRCh38, 1-based): chr20:25,082,037, G>A on the plus strand (C>T on the coding strand, the complement: VSX1 is on the minus strand). VCF-style: chr20-25082037-G-A. GRCh37 (hg19) VCF-style: chr20-25062673-G-A.
Other names: c.60C>T, p.Gly20= (NM_001256271.2, NM_001256272.2, NM_199425.3).
Identifiers: ClinVar variation 337971 (VCV000337971.6), dbSNP rs776758064, ClinGen allele CA9793705.

ClinVar aggregate classification (germline): Benign. Review status: criteria provided, multiple submitters, no conflicts (2 of 4 stars). 2 submissions from 2 submitters: Benign (2). Last evaluated 2018-01-12.

Conditions:
Posterior polymorphous corneal dystrophy. Also called: CORNEAL DYSTROPHY, HEREDITARY POLYMORPHOUS POSTERIOR; Polymorphous corneal dystrophy. Identifiers: Orphanet 98973, MedGen C0339284, MONDO:0020364, HP:0007915.

Allele frequency attached by ClinVar (database versions not stated): TOPMed 0.00006; gnomAD exomes 0.00009; ExAC 0.00018.
gnomAD v4.1: 42 of 1,537,322 alleles (0.0027%); highest among the groups gnomAD compares: Non-Finnish European, 0.00087%; no homozygotes.

Submissions (2):

Illumina Laboratory Services, Illumina
Classification: Benign for Polymorphous corneal dystrophy. Last evaluated: 2018-01-12. Review status: criteria provided, single submitter. Criteria: ICSL Variant Classification Criteria 13 December 2019. Collection method: clinical testing. Allele origin: germline.
Comment: This variant was observed in the ICSL laboratory as part of a predisposition screen in an ostensibly healthy population. It had not been previously curated by ICSL or reported in the Human Gene Mutation Database (HGMD: prior to June 1st, 2018), and was therefore a candidate for classification through an automated scoring system. Utilizing variant allele frequency, disease prevalence and penetrance estimates, and inheritance mode, an automated score was calculated to assess if this variant is too frequent to cause the disease. Based on the score and internal cut-off values, a variant classified as benign is not then subjected to further curation. The score for this variant resulted in a classification of benign for this disease.

Breakthrough Genomics
Classification: Benign. Review status: criteria provided, single submitter. Criteria: ACMG Guidelines, 2015. Collection method: not provided. Allele origin: germline. Inheritance: Autosomal dominant inheritance. Affected: yes.